The following is an entry in ClinVar:

NM_001851.6(COL9A1):c.865dup (p.Asp289fs)

Gene: COL9A1 (collagen type IX alpha 1 chain; minus strand). Cytogenetic location: 6q13.
Variant type: Duplication.
Coding change: c.865dup on transcript NM_001851.6 (MANE Select); coding-DNA position 865, one base duplicated (G; older notation c.865dupG).
Protein change: p.Asp289fs; shifts the reading frame from aspartic acid 289.
Molecular consequence: frameshift variant. On other transcripts: non-coding transcript variant (1).
Genome position (GRCh38, 1-based): chr6:70,281,401, C duplicated on the plus strand (G on the coding strand, the reverse complement: COL9A1 is on the minus strand). VCF-style (leftmost placement, unchanged base first): chr6-70281400-T-TC. GRCh37 (hg19) VCF-style: chr6-70991103-T-TC.
Other names: c.136dup, p.Asp46fs (NM_001377289.1, NM_001377290.1, NM_078485.4); c.865dup, p.Asp289fs (NM_001377291.1); short protein forms D289fs, D46fs.
Identifiers: ClinVar variation 2005843 (VCV002005843.4), dbSNP rs2483459179, ClinGen allele CA2580075713.

ClinVar aggregate classification (germline): Pathogenic (1 of 4 stars; one submission).

Allele frequency attached by ClinVar (database versions not stated): gnomAD exomes below 0.00001.

Submission:

Labcorp Genetics (formerly Invitae), Labcorp
Classification: Pathogenic. Last evaluated: 2022-06-13. Review status: criteria provided, single submitter. Criteria: Invitae Variant Classification Sherloc (09022015). Collection method: clinical testing. Allele origin: germline.
Comment: This sequence change creates a premature translational stop signal (p.Asp289Glyfs*6) in the COL9A1 gene. It is expected to result in an absent or disrupted protein product. Loss-of-function variants in COL9A1 are known to be pathogenic (PMID: 16909383, 21421862). This variant is not present in population databases (gnomAD no frequency). This variant has not been reported in the literature in individuals affected with COL9A1-related conditions. For these reasons, this variant has been classified as Pathogenic.

Literature cited by the submitters: PubMed 16909383; PubMed 21421862.